The following is an entry in ClinVar:

ClinVar aggregate classification (germline): Uncertain significance (1 of 4 stars; one submission).

Conditions:
Inborn genetic diseases. Identifiers: MedGen C0950123, MeSH D030342.

Submission:

Ambry Genetics
Classification: Uncertain significance for Inborn genetic diseases. Last evaluated: 2019-11-22. Review status: criteria provided, single submitter. Criteria: Ambry Variant Classification Scheme 2023. Collection method: clinical testing. Allele origin: germline.
Comment: The c.1478_1499del22 variant, located in coding exon 6 of the CHRNA2 gene, results from a deletion of 22 nucleotides at nucleotide positions 1478 to 1499, causing a translational frameshift with a predicted alternate stop codon (p.W493Sfs*26). Frameshifts are typically deleterious in nature, however, this frameshift occurs at the 3' terminus of CHRNA2, is not expected to trigger nonsense-mediated mRNA decay, and impacts only the last 38 amino acids of the protein. The exact functional impact of these altered amino acids is unknown at this time.

NM_000742.4(CHRNA2):c.1478_1499del (p.Trp493fs)

Gene: CHRNA2 (cholinergic receptor nicotinic alpha 2 subunit; minus strand). Cytogenetic location: 8p21.2.
Variant type: Deletion.
Coding change: c.1478_1499del on transcript NM_000742.4 (MANE Select); coding-DNA positions 1478 to 1499, 22 bases deleted (GGAAGTATGTTGCCATGGTCAT).
Protein change: p.Trp493fs; shifts the reading frame from tryptophan 493.
Molecular consequence: frameshift variant.
Genome position (GRCh38, 1-based): chr8:27,461,720-27,461,741, ATGACCATGGCAACATACTTCC deleted on the plus strand (GGAAGTATGTTGCCATGGTCAT on the coding strand, the reverse complement: CHRNA2 is on the minus strand); deleting any 22 consecutive bases within chr8:27,461,720-27,461,742 gives the same sequence; the c. name uses the placement nearest the transcript's 3' end. VCF-style (leftmost placement, unchanged base first): chr8-27461719-GATGACCATGGCAACATACTTCC-G. GRCh37 (hg19) VCF-style: chr8-27319236-GATGACCATGGCAACATACTTCC-G.
Other names: c.1433_1454del, p.Trp478fs (NM_001282455.2); c.1001_1022del, p.Trp334fs (NM_001347705.2, NM_001347706.2); c.884_905del, p.Trp295fs (NM_001347707.2, NM_001347708.2); short protein forms W334fs, W478fs, W295fs, W493fs.
Identifiers: ClinVar variation 1773485 (VCV001773485.2), dbSNP rs2490524676, ClinGen allele CA2580078089.